The following is an entry in ClinVar:

ClinVar aggregate classification (germline): Uncertain significance. Review status: criteria provided, multiple submitters, no conflicts (2 of 4 stars). 2 submissions from 2 submitters: Uncertain significance (2). Last evaluated 2025-01-11.

Conditions:
Cone-rod dystrophy. Also called: Cone/cone-rod dystrophy; Cone-rod degeneration. Identifiers: Orphanet 1872, MedGen C4085590, MONDO:0015993, HP:0000548.

Allele frequency attached by ClinVar (database versions not stated): ExAC below 0.00001; gnomAD 0.00001; TOPMed 0.00002; gnomAD exomes 0.00003.
gnomAD v4.1: 36 of 1,560,268 alleles (0.0023%); highest among the groups gnomAD compares: South Asian, 0.0046%; no homozygotes.

Submissions (2):

Labcorp Genetics (formerly Invitae), Labcorp
Classification: Uncertain significance. Last evaluated: 2025-01-11. Review status: criteria provided, single submitter. Criteria: Invitae Variant Classification Sherloc (09022015). Collection method: clinical testing. Allele origin: germline.
Comment: This sequence change replaces serine, which is neutral and polar, with phenylalanine, which is neutral and non-polar, at codon 16 of the UNC119 protein (p.Ser16Phe). This variant is present in population databases (rs756038571, gnomAD 0.006%). This variant has not been reported in the literature in individuals affected with UNC119-related conditions. ClinVar contains an entry for this variant (Variation ID: 322471). An algorithm developed to predict the effect of missense changes on protein structure and function (PolyPhen-2) suggests that this variant is likely to be tolerated. In summary, the available evidence is currently insufficient to determine the role of this variant in disease. Therefore, it has been classified as a Variant of Uncertain Significance.

Illumina Laboratory Services, Illumina
Classification: Uncertain significance for Cone-rod dystrophy. Last evaluated: 2018-01-13. Review status: criteria provided, single submitter. Criteria: ICSL Variant Classification Criteria 13 December 2019. Collection method: clinical testing. Allele origin: germline.

NM_005148.4(UNC119):c.47C>T (p.Ser16Phe)

Genes: UNC119 (unc-119 lipid binding chaperone; minus strand), LOC130060555 (ATAC-STARR-seq lymphoblastoid silent region 8343; plus strand). Cytogenetic location: 17q11.2.
Variant type: single nucleotide variant.
Coding change: c.47C>T on transcript NM_005148.4 (MANE Select); coding-DNA position 47, C replaced by T.
Protein change: p.Ser16Phe; replaces serine 16 with phenylalanine.
Molecular consequence: missense variant. On other transcripts: 5 prime UTR variant (1).
Genome position (GRCh38, 1-based): chr17:28,552,511, G>A on the plus strand (C>T on the coding strand, the complement: UNC119 is on the minus strand). VCF-style: chr17-28552511-G-A. GRCh37 (hg19) VCF-style: chr17-26879529-G-A.
Other names: c.-267C>T (NM_001330166.2); c.47C>T, p.Ser16Phe (NM_054035.2); short protein forms S16F.
Identifiers: ClinVar variation 322471 (VCV000322471.10), dbSNP rs756038571, ClinGen allele CA8459912.